The following is an entry in ClinVar:

NM_001329943.3(KIAA0586):c.1031G>A (p.Arg344His)

Gene: KIAA0586 (KIAA0586; plus strand). Cytogenetic location: 14q23.1.
Variant type: single nucleotide variant.
Coding change: c.1031G>A on transcript NM_001329943.3 (MANE Select); coding-DNA position 1031, G replaced by A.
Protein change: p.Arg344His; replaces arginine 344 with histidine.
Molecular consequence: missense variant.
Genome position (GRCh38, 1-based): chr14:58,450,648, G>A. VCF-style: chr14-58450648-G-A. GRCh37 (hg19) VCF-style: chr14-58917366-G-A.
Other names: c.1190G>A, p.Arg397His (NM_001244189.2); c.986G>A, p.Arg329His (NM_001244190.2); c.776G>A, p.Arg259His (NM_001244191.2, NM_001329945.2, NM_001364700.1 and 1 more transcripts); c.899G>A, p.Arg300His (NM_001244192.2); c.611G>A, p.Arg204His (NM_001244193.2); c.1031G>A, p.Arg344His (NM_001329944.2, NM_001329946.2, NM_001329947.2 and 1 more transcripts); c.1031G>A (NM_014749.3); short protein forms R397H, R300H, R329H, R204H, R344H, R259H.
Identifiers: ClinVar variation 1413116 (VCV001413116.5), dbSNP rs773375756, ClinGen allele CA7205540.

ClinVar aggregate classification (germline): Uncertain significance. Review status: criteria provided, multiple submitters, no conflicts (2 of 4 stars). 2 submissions from 2 submitters: Uncertain significance (2). Last evaluated 2022-03-09.

Conditions:
Short-rib thoracic dysplasia 14 with polydactyly (SRTD14). Identifiers: Orphanet 397715, MedGen C4225286, MONDO:0014688, OMIM 616546.
Joubert syndrome 23 (JBTS23). Identifiers: Orphanet 475, MedGen C4084822, MONDO:0014664, OMIM 616490.
Inborn genetic diseases. Identifiers: MedGen C0950123, MeSH D030342.

Allele frequency attached by ClinVar (database versions not stated): ExAC 0.00003; gnomAD exomes 0.00003; gnomAD 0.00004 and 0.00005; TOPMed 0.00005.
gnomAD v4.1: 107 of 1,609,462 alleles (0.0066%); highest among the groups gnomAD compares: Non-Finnish European, 0.0086%; no homozygotes.

Submissions (2):

Labcorp Genetics (formerly Invitae), Labcorp
Classification: Uncertain significance for Joubert syndrome 23; Short-rib thoracic dysplasia 14 with polydactyly. Last evaluated: 2022-03-09. Review status: criteria provided, single submitter. Criteria: Invitae Variant Classification Sherloc (09022015). Collection method: clinical testing. Allele origin: germline.
Comment: In summary, the available evidence is currently insufficient to determine the role of this variant in disease. Therefore, it has been classified as a Variant of Uncertain Significance. Algorithms developed to predict the effect of missense changes on protein structure and function are either unavailable or do not agree on the potential impact of this missense change (SIFT: "Deleterious"; PolyPhen-2: "Probably Damaging"; Align-GVGD: "Class C0"). This variant has not been reported in the literature in individuals affected with KIAA0586-related conditions. This variant is present in population databases (rs773375756, gnomAD 0.006%). This sequence change replaces arginine, which is basic and polar, with histidine, which is basic and polar, at codon 397 of the KIAA0586 protein (p.Arg397His).

Ambry Genetics
Classification: Uncertain significance for Inborn genetic diseases. Last evaluated: 2022-02-04. Review status: criteria provided, single submitter. Criteria: Ambry Variant Classification Scheme 2023. Collection method: clinical testing. Allele origin: germline.